The following is an entry in ClinVar:

ClinVar aggregate classification (germline): Benign (1 of 4 stars; one submission).

Allele frequency attached by ClinVar (database versions not stated): gnomAD 0.50320; TOPMed 0.51347; 1000 Genomes Project 0.60463; 1000 Genomes Project 30x 0.61102.
gnomAD v4.1: 74,972 of 152,000 alleles (49%); highest among the groups gnomAD compares: African/African-American, 87%; 23,026 homozygotes.

Submission:

GeneDx
Classification: Benign. Last evaluated: 2018-06-14. Review status: criteria provided, single submitter. Criteria: GeneDx Variant Classification (06012015). Collection method: clinical testing. Allele origin: germline. Affected: yes.
Comment: This variant is considered likely benign or benign based on one or more of the following criteria: it is a conservative change, it occurs at a poorly conserved position in the protein, it is predicted to be benign by multiple in silico algorithms, and/or has population frequency not consistent with disease.

NM_000138.5(FBN1):c.2855-288A>G

Gene: FBN1 (fibrillin 1; minus strand). Cytogenetic location: 15q21.1.
Variant type: single nucleotide variant.
Coding change: c.2855-288A>G on transcript NM_000138.5 (MANE Select); 288 bases into the intron before coding-DNA position 2855, A replaced by G.
Molecular consequence: intron variant.
Genome position (GRCh38, 1-based): chr15:48,490,366, T>C on the plus strand (A>G on the coding strand, the complement: FBN1 is on the minus strand). VCF-style: chr15-48490366-T-C. GRCh37 (hg19) VCF-style: chr15-48782563-T-C.
Identifiers: ClinVar variation 680570 (VCV000680570.1), dbSNP rs11635140, ClinGen allele CA14117735.